The following is an entry in ClinVar:

ClinVar aggregate classification (germline): Likely pathogenic. Review status: criteria provided, multiple submitters, no conflicts (2 of 4 stars). 3 submissions from 3 submitters: Likely pathogenic (3). Last evaluated 2025-10-23.

Conditions:
Familial adenomatous polyposis 4 (FAP4). Also called: MSH3-related attenuated familial adenomatous polyposis. Identifiers: Orphanet 480536, MedGen C4310719, MONDO:0044300, OMIM 617100.
Hereditary cancer-predisposing syndrome. Also called: Hereditary Cancer Syndrome; Tumor predisposition; Neoplastic Syndromes, Hereditary; Hereditary neoplastic syndrome. Identifiers: Orphanet 140162, MedGen C0027672, MeSH D009386, MONDO:0015356.

Allele frequency attached by ClinVar (database versions not stated): gnomAD exomes below 0.00001; ExAC 0.00001; gnomAD 0.00001; 1000 Genomes Project 0.00020; 1000 Genomes Project 30x 0.00031.
gnomAD v4.1: 1 of 1,603,218 alleles (0.000062%); highest among the groups gnomAD compares: African/African-American, 0.0013%; no homozygotes.

Submissions (3):

Labcorp Genetics (formerly Invitae), Labcorp
Classification: Likely pathogenic. Last evaluated: 2025-10-23. Review status: criteria provided, single submitter. Criteria: Invitae Variant Classification Sherloc (09022015). Collection method: clinical testing. Allele origin: germline.
Comment: This sequence change affects a donor splice site in intron 11 of the MSH3 gene. It is expected to disrupt RNA splicing. Variants that disrupt the donor or acceptor splice site typically lead to a loss of protein function (PMID: 16199547), and loss-of-function variants in MSH3 are known to be pathogenic (PMID: 27476653, 37402566). This variant is present in population databases (rs550626088, gnomAD 0.007%). This variant has not been reported in the literature in individuals affected with MSH3-related conditions. ClinVar contains an entry for this variant (Variation ID: 864772). Algorithms developed to predict the effect of sequence changes on RNA splicing suggest that this variant may disrupt the consensus splice site. In summary, the currently available evidence indicates that the variant is pathogenic, but additional data are needed to prove that conclusively. Therefore, this variant has been classified as Likely Pathogenic.

Ambry Genetics
Classification: Likely pathogenic for Hereditary cancer-predisposing syndrome. Last evaluated: 2025-04-04. Review status: criteria provided, single submitter. Criteria: Ambry Variant Classification Scheme 2023. Collection method: clinical testing. Allele origin: germline.
Comment: The c.1653+1G>A intronic variant results from a G to A substitution one nucleotide after coding exon 11 of the MSH3 gene. This nucleotide position is highly conserved in available vertebrate species. In silico splice site analysis predicts that this alteration will weaken the native splice donor site. RNA studies have demonstrated that this alteration results in abnormal splicing in the set of samples tested (Ambry internal data). This variant is considered to be rare based on population cohorts in the Genome Aggregation Database (gnomAD). Alterations that disrupt the canonical splice site are expected to cause aberrant splicing, resulting in an abnormal protein or a transcript that is subject to nonsense-mediated mRNA decay. As such, this alteration is classified as likely pathogenic.

Myriad Genetics, Inc.
Classification: Likely pathogenic for Familial adenomatous polyposis 4. Last evaluated: 2023-02-13. Review status: criteria provided, single submitter. Criteria: Myriad Autosomal Dominant, Autosomal Recessive and X-Linked Classification Criteria (2023). Collection method: clinical testing. Allele origin: unknown.
Comment: This variant is considered likely pathogenic. This variant occurs within a consensus splice junction and is predicted to result in abnormal mRNA splicing of either an out-of-frame exon or an in-frame exon necessary for protein stability and/or normal function.

Literature cited by the submitters: PubMed 16199547 (cited by Labcorp Genetics (formerly Invitae), Labcorp); PubMed 27476653 (cited by Labcorp Genetics (formerly Invitae), Labcorp); PubMed 37402566 (cited by Labcorp Genetics (formerly Invitae), Labcorp).

NM_002439.5(MSH3):c.1653+1G>A

Gene: MSH3 (mutS homolog 3; plus strand). Cytogenetic location: 5q14.1.
Variant type: single nucleotide variant.
Coding change: c.1653+1G>A on transcript NM_002439.5 (MANE Select); the canonical splice donor site of the intron after coding-DNA position 1653, G replaced by A.
Molecular consequence: splice donor variant.
Genome position (GRCh38, 1-based): chr5:80,741,549, G>A. VCF-style: chr5-80741549-G-A. GRCh37 (hg19) VCF-style: chr5-80037368-G-A.
Other names: c.1653+1G>A (NM_002439.3).
Identifiers: ClinVar variation 864772 (VCV000864772.10), dbSNP rs550626088, ClinGen allele CA3327988.